The following is an entry in ClinVar:

NM_014915.3(ANKRD26):c.4721C>T (p.Thr1574Ile)

Gene: ANKRD26 (ankyrin repeat domain 26; minus strand). Cytogenetic location: 10p12.1.
Variant type: single nucleotide variant.
Coding change: c.4721C>T on transcript NM_014915.3 (MANE Select); coding-DNA position 4721, C replaced by T.
Protein change: p.Thr1574Ile; replaces threonine 1574 with isoleucine.
Molecular consequence: missense variant.
Genome position (GRCh38, 1-based): chr10:27,014,497, G>A on the plus strand (C>T on the coding strand, the complement: ANKRD26 is on the minus strand). VCF-style: chr10-27014497-G-A. GRCh37 (hg19) VCF-style: chr10-27303426-G-A.
Other names: c.4718C>T, p.Thr1573Ile (NM_001256053.2); short protein forms T1573I, T1574I.
Identifiers: ClinVar variation 3662710 (VCV003662710.2).

ClinVar aggregate classification (germline): Uncertain significance (1 of 4 stars; one submission).

Submission:

Labcorp Genetics (formerly Invitae), Labcorp
Classification: Uncertain significance. Last evaluated: 2024-08-17. Review status: criteria provided, single submitter. Criteria: Invitae Variant Classification Sherloc (09022015). Collection method: clinical testing. Allele origin: germline.
Comment: This sequence change replaces threonine, which is neutral and polar, with isoleucine, which is neutral and non-polar, at codon 1574 of the ANKRD26 protein (p.Thr1574Ile). This variant is not present in population databases (gnomAD no frequency). This variant has not been reported in the literature in individuals affected with ANKRD26-related conditions. An algorithm developed to predict the effect of missense changes on protein structure and function (PolyPhen-2) suggests that this variant is likely to be tolerated. In summary, the available evidence is currently insufficient to determine the role of this variant in disease. Therefore, it has been classified as a Variant of Uncertain Significance.